The following is an entry in ClinVar:

ClinVar aggregate classification (germline): Uncertain significance (1 of 4 stars; one submission).

Submission:

CeGaT Center for Human Genetics Tuebingen
Classification: Uncertain significance. Last evaluated: 2026-06-01. Review status: criteria provided, single submitter. Criteria: CeGaT Center For Human Genetics Tuebingen Variant Classification Criteria Version 2. Collection method: clinical testing. Allele origin: germline. Affected: yes. Observed: 1 variant allele.
Comment: KIF2A: PM2, PP2

NM_001098511.3(KIF2A):c.2015A>C (p.Glu672Ala)

Gene: KIF2A (kinesin family member 2A; plus strand). Cytogenetic location: 5q12.1.
Variant type: single nucleotide variant.
Coding change: c.2015A>C on transcript NM_001098511.3 (MANE Select); coding-DNA position 2015, A replaced by C.
Protein change: p.Glu672Ala; replaces glutamic acid 672 with alanine.
Molecular consequence: missense variant.
Genome position (GRCh38, 1-based): chr5:62,381,119, A>C. VCF-style: chr5-62381119-A-C. GRCh37 (hg19) VCF-style: chr5-61676946-A-C.
Other names: c.1820A>C, p.Glu607Ala (NM_001243952.2); c.1844A>C, p.Glu615Ala (NM_001243953.2); c.1901A>C, p.Glu634Ala (NM_004520.5); short protein forms E607A, E615A, E634A, E672A.
Identifiers: ClinVar variation 4875447 (VCV004875447.2).
Genomic context (GRCh38, chr5:62,381,119, plus strand): 5'-TAATTTGGTTTCTGTTGCACAAAGATGCTTATTGGATTATCGAATTTTTGTCCTTGTAGG[A>C]ATCTATTCGGTGGTTAGAAGATGAAAAGGCCCTCTTAGAGATGACTGAAGAAGTAGATTA-3'
Protein context (NP_001091981.1, residues 662-682): VVEDHRAVFQ[Glu672Ala]SIRWLEDEKA